The following is an entry in ClinVar:

ClinVar aggregate classification (germline): Uncertain significance (1 of 4 stars; one submission).

Submission:

GeneDx
Classification: Uncertain significance. Last evaluated: 2024-01-31. Review status: criteria provided, single submitter. Criteria: GeneDx Variant Classification Process June 2021. Collection method: clinical testing. Allele origin: germline. Affected: yes.
Comment: Not observed at significant frequency in large population cohorts (gnomAD); Missense variant in a gene in which most reported pathogenic variants are truncating/loss of function; Has not been previously published as pathogenic or benign to our knowledge; Located in a region of TTN within the I-band in which the majority of loss of function variants are significantly associated with autosomal dominant titinopathies (PMID: 27625338, 27869827); This variant is associated with the following publications: (PMID: 23975875)

NM_001267550.2(TTN):c.44863G>A (p.Glu14955Lys)

Gene: TTN (titin; minus strand). Cytogenetic location: 2q31.2.
Variant type: single nucleotide variant.
Coding change: c.44863G>A on transcript NM_001267550.2 (MANE Select); coding-DNA position 44863, G replaced by A.
Protein change: p.Glu14955Lys; replaces glutamic acid 14955 with lysine.
Molecular consequence: missense variant.
Genome position (GRCh38, 1-based): chr2:178,622,720, C>T on the plus strand (G>A on the coding strand, the complement: TTN is on the minus strand). VCF-style: chr2-178622720-C-T. GRCh37 (hg19) VCF-style: chr2-179487447-C-T.
Other names: c.39940G>A, p.Glu13314Lys (NM_001256850.1); c.17668G>A, p.Glu5890Lys (NM_003319.4); c.37159G>A, p.Glu12387Lys (NM_133378.4); c.18043G>A, p.Glu6015Lys (NM_133432.3); c.18244G>A, p.Glu6082Lys (NM_133437.4); short protein forms E12387K, E13314K, E14955K, E5890K, E6015K, E6082K.
Identifiers: ClinVar variation 3368532 (VCV003368532.1).